The following is an entry in ClinVar:

ClinVar aggregate classification (germline): Pathogenic. Review status: reviewed by expert panel (3 of 4 stars). 8 submissions from 8 submitters: Pathogenic (1). 7 of the submissions do not count toward it. Last evaluated 2016-09-08.

Conditions:
Hereditary cancer-predisposing syndrome. Also called: Tumor predisposition; Neoplastic Syndromes, Hereditary; Hereditary Cancer Syndrome; Hereditary neoplastic syndrome. Identifiers: Orphanet 140162, MedGen C0027672, MeSH D009386, MONDO:0015356.
Hereditary breast ovarian cancer syndrome. Also called: Hereditary breast and ovarian cancer syndrome (HBOC); Hereditary breast and ovarian cancer syndrome; Hereditary breast and ovarian cancer; Hereditary breast and/or ovarian cancer syndrome; Breast and ovarian cancer; BRCA1- and BRCA2-Associated Hereditary Breast and Ovarian Cancer. Identifiers: Orphanet 145, MedGen C0677776, MeSH D061325, MONDO:0003582. Disease mechanism: loss of function.
Breast-ovarian cancer, familial, susceptibility to, 1 (BROVCA1). Also called: OVARIAN CANCER, SUSCEPTIBILITY TO; BRCA1 Hereditary Breast and Ovarian Cancer. Identifiers: Orphanet 145, MedGen C2676676, MONDO:0011450, OMIM 604370. Disease mechanism: loss of function.

Submissions (8):

Evidence-based Network for the Interpretation of Germline Mutant Alleles (ENIGMA)
Classification: Pathogenic for Breast-ovarian cancer, familial, susceptibility to, 1. Last evaluated: 2016-09-08. Review status: reviewed by expert panel. Criteria: ENIGMA BRCA1/2 Classification Criteria (2015). Collection method: curation. Allele origin: germline.
Comment: Variant allele predicted to encode a truncated non-functional protein.

Labcorp Genetics (formerly Invitae), Labcorp
Classification: Pathogenic for Hereditary breast ovarian cancer syndrome. Last evaluated: 2025-05-17. Review status: criteria provided, single submitter. Criteria: Invitae Variant Classification Sherloc (09022015). Collection method: clinical testing. Allele origin: germline. Not counted in ClinVar's aggregate classification.
Comment: This sequence change creates a premature translational stop signal (p.Gln957*) in the BRCA1 gene. It is expected to result in an absent or disrupted protein product. Loss-of-function variants in BRCA1 are known to be pathogenic (PMID: 20104584). This variant is not present in population databases (gnomAD no frequency). This premature translational stop signal has been observed in individual(s) with hereditary breast and/or ovarian cancer (PMID: 10595257, 29339979, 29446198). This variant is also known as C2988T. ClinVar contains an entry for this variant (Variation ID: 54703). For these reasons, this variant has been classified as Pathogenic.

GeneDx
Classification: Pathogenic. Last evaluated: 2024-01-05. Review status: criteria provided, single submitter. Criteria: GeneDx Variant Classification Process June 2021. Collection method: clinical testing. Allele origin: germline. Affected: yes. Not counted in ClinVar's aggregate classification.
Comment: Nonsense variant predicted to result in protein truncation or nonsense mediated decay in a gene for which loss of function is a known mechanism of disease; Not observed at significant frequency in large population cohorts (gnomAD); Observed in individuals with a personal and/or family history of breast and ovarian cancer (PMID: 10595257, 35220195, 34981296); Truncating variants in this gene are considered pathogenic by a well-established clinical consortium and/or database; Also known as 2988C>T; This variant is associated with the following publications: (PMID: 25525159, 10595257, 29339979, 35220195, 34981296, 32377563, 29446198, 30678073, 31209999)

Ambry Genetics
Classification: Pathogenic for Hereditary cancer-predisposing syndrome. Last evaluated: 2018-12-27. Review status: criteria provided, single submitter. Criteria: Ambry Variant Classification Scheme 2023. Collection method: clinical testing. Allele origin: germline. Not counted in ClinVar's aggregate classification.
Comment: The p.Q957* pathogenic mutation (also known as c.2869C>T), located in coding exon 9 of the BRCA1 gene, results from a C to T substitution at nucleotide position 2869. This changes the amino acid from a glutamine to a stop codon within coding exon 9. This alteration has been previously identified in European and North American breast/ovarian cohorts (Borg A et al. Dis. Markers. 1999 Oct;15:79-84; Heramb C et al. Hered. Cancer Clin. Pract. 2018 Jan;16:3; Rebbeck TR et al. Hum. Mutat. 2018 May;39:593-620). Of note, this alteration is also designated C2988T in the published literature. This alteration is expected to result in loss of function by premature protein truncation or nonsense-mediated mRNA decay. As such, this alteration is interpreted as a disease-causing mutation.

Department of Medical Genetics, Oslo University Hospital
Classification: Pathogenic for Breast-ovarian cancer, familial, susceptibility to, 1. Last evaluated: 2016-10-10. Review status: criteria provided, single submitter. Criteria: ACMG Guidelines, 2015. Collection method: clinical testing. Allele origin: germline. Affected: yes. Observed: 14 variant alleles. Not counted in ClinVar's aggregate classification.

Consortium of Investigators of Modifiers of BRCA1/2 (CIMBA), c/o University of Cambridge
Classification: Pathogenic for Breast-ovarian cancer, familial, susceptibility to, 1. Last evaluated: 2015-10-02. Review status: criteria provided, single submitter. Criteria: CIMBA Mutation Classification guidelines May 2016. Collection method: clinical testing. Allele origin: germline. Not counted in ClinVar's aggregate classification.

Research Molecular Genetics Laboratory, Women's College Hospital, University of Toronto
Classification: Pathogenic for Hereditary breast ovarian cancer syndrome. Last evaluated: 2014-01-31. Review status: no assertion criteria provided. Collection method: research. Allele origin: germline. Affected: yes. Study: The Canadian Open Genetics Repository (COGR). Not counted in ClinVar's aggregate classification.

Breast Cancer Information Core (BIC) (BRCA1)
Classification: Pathogenic for Breast-ovarian cancer, familial 1. Last evaluated: 1999-04-12. Review status: no assertion criteria provided. Collection method: clinical testing. Allele origin: germline. Affected: yes. Observed: 3 variant alleles. Not counted in ClinVar's aggregate classification.

Literature cited by the submitters: PubMed 20104584 (cited by Labcorp Genetics (formerly Invitae), Labcorp); PubMed 10595257 (cited by Labcorp Genetics (formerly Invitae), Labcorp); PubMed 29339979 (cited by Labcorp Genetics (formerly Invitae), Labcorp); PubMed 29446198 (cited by Labcorp Genetics (formerly Invitae), Labcorp).

NM_007294.4(BRCA1):c.2869C>T (p.Gln957Ter)

Gene: BRCA1 (BRCA1 DNA repair associated; minus strand). Cytogenetic location: 17q21.31.
Variant type: single nucleotide variant.
Coding change: c.2869C>T on transcript NM_007294.4 (MANE Select); coding-DNA position 2869, C replaced by T.
Protein change: p.Gln957Ter; replaces glutamine 957 with a stop codon.
Molecular consequence: nonsense. On other transcripts: intron variant (137).
Genome position (GRCh38, 1-based): chr17:43,092,662, G>A on the plus strand (C>T on the coding strand, the complement: BRCA1 is on the minus strand). VCF-style: chr17-43092662-G-A. GRCh37 (hg19) VCF-style: chr17-41244679-G-A.
Other names: c.2656C>T, p.Gln886Ter (NM_001407571.1, NM_001407853.1, NM_001407894.1 and 9 more transcripts); c.2869C>T, p.Gln957Ter (NM_001407581.1, NM_001407582.1, NM_001407583.1 and 30 more transcripts); c.2866C>T, p.Gln956Ter (NM_001407587.1, NM_001407590.1, NM_001407591.1 and 22 more transcripts); c.2860C>T, p.Gln954Ter (NM_001407646.1, NM_001407647.1); c.2746C>T, p.Gln916Ter (NM_001407648.1, NM_001407664.1, NM_001407665.1 and 19 more transcripts); c.2743C>T, p.Gln915Ter (NM_001407649.1, NM_001407670.1, NM_001407671.1 and 11 more transcripts); c.2791C>T, p.Gln931Ter (NM_001407653.1, NM_001407654.1, NM_001407655.1 and 4 more transcripts); c.2788C>T, p.Gln930Ter (NM_001407659.1, NM_001407660.1, NM_001407661.1 and 1 more transcripts); and 41 more; short protein forms Q957*, Q910*, Q789*, Q886*, Q830*, Q846*, Q868*, Q915*.
Identifiers: ClinVar variation 54703 (VCV000054703.19), dbSNP rs80356973, ClinGen allele CA001870.